The following is an entry in ClinVar:

ClinVar aggregate classification (germline): Uncertain significance (1 of 4 stars; one submission).

Conditions:
Epidermodysplasia verruciformis. Identifiers: Orphanet 302, MedGen C0014522, MONDO:0009176.

Allele frequency attached by ClinVar (database versions not stated): TOPMed 0.00001; gnomAD exomes 0.00002 and 0.00005.

Submission:

Labcorp Genetics (formerly Invitae), Labcorp
Classification: Uncertain significance for Epidermodysplasia verruciformis. Last evaluated: 2022-10-25. Review status: criteria provided, single submitter. Criteria: Invitae Variant Classification Sherloc (09022015). Collection method: clinical testing. Allele origin: germline.
Comment: This sequence change replaces serine, which is neutral and polar, with asparagine, which is neutral and polar, at codon 75 of the TMC6 protein (p.Ser75Asn). This variant is present in population databases (no rsID available, gnomAD 0.004%). This variant has not been reported in the literature in individuals affected with TMC6-related conditions. ClinVar contains an entry for this variant (Variation ID: 957910). Algorithms developed to predict the effect of missense changes on protein structure and function are either unavailable or do not agree on the potential impact of this missense change (SIFT: "Not Available"; PolyPhen-2: "Benign"; Align-GVGD: "Not Available"). In summary, the available evidence is currently insufficient to determine the role of this variant in disease. Therefore, it has been classified as a Variant of Uncertain Significance.

NM_001127198.5(TMC6):c.224G>A (p.Ser75Asn)

Gene: TMC6 (transmembrane channel like 6; minus strand). Cytogenetic location: 17q25.3.
Variant type: single nucleotide variant.
Coding change: c.224G>A on transcript NM_001127198.5 (MANE Select); coding-DNA position 224, G replaced by A.
Protein change: p.Ser75Asn; replaces serine 75 with asparagine.
Molecular consequence: missense variant.
Genome position (GRCh38, 1-based): chr17:78,126,324, C>T on the plus strand (G>A on the coding strand, the complement: TMC6 is on the minus strand). VCF-style: chr17-78126324-C-T. GRCh37 (hg19) VCF-style: chr17-76122405-C-T.
Other names: c.224G>A, p.Ser75Asn (NM_001321185.1, NM_001374593.1, NM_001374594.1 and 4 more transcripts); short protein forms S75N.
Identifiers: ClinVar variation 957910 (VCV000957910.7), dbSNP rs1197069109, ClinGen allele CA401236088.
Genomic context (GRCh38, chr17:78,126,324, plus strand): 5'-GGGTCCCACTCACCAATGGTGCGGCTGGGCATGCTGGCCAGGATGCGGAGTGTGGCCGTG[C>T]TCTGGGTGCCCTCGGGCCGCCAGAGTGTCTGCTGGCTACTTCCTACAAAGCAAGAAAGAC-3'
Protein context (NP_001120670.1, residues 65-85): QTLWRPEGTQ[Ser75Asn]TATLRILASM